The following is an entry in ClinVar:

ClinVar aggregate classification (germline): Uncertain significance (1 of 4 stars; one submission).

Submission:

GeneDx
Classification: Uncertain significance. Last evaluated: 2022-04-04. Review status: criteria provided, single submitter. Criteria: GeneDx Variant Classification Process June 2021. Collection method: clinical testing. Allele origin: germline. Affected: yes.
Comment: Has not been previously published as pathogenic or benign to our knowledge; Not observed at significant frequency in large population cohorts (gnomAD); In silico analysis supports that this missense variant does not alter protein structure/function

NM_001292034.3(TAB2):c.1647A>C (p.Arg549Ser)

Gene: TAB2 (TGF-beta activated kinase 1 (MAP3K7) binding protein 2; plus strand). Cytogenetic location: 6q25.1.
Variant type: single nucleotide variant.
Coding change: c.1647A>C on transcript NM_001292034.3 (MANE Select); coding-DNA position 1647, A replaced by C.
Protein change: p.Arg549Ser; replaces arginine 549 with serine.
Molecular consequence: missense variant.
Genome position (GRCh38, 1-based): chr6:149,397,647, A>C. VCF-style: chr6-149397647-A-C. GRCh37 (hg19) VCF-style: chr6-149718783-A-C.
Other names: c.1551A>C, p.Arg517Ser (NM_001292035.3); c.1647A>C, p.Arg549Ser (NM_001369506.1, NM_015093.6); short protein forms R517S, R549S.
Identifiers: ClinVar variation 1708691 (VCV001708691.2), dbSNP rs2483485952, ClinGen allele CA366003681.